The following is an entry in ClinVar:

NM_033100.4(CDHR1):c.2197G>T (p.Val733Phe)

Gene: CDHR1 (cadherin related family member 1; plus strand). Cytogenetic location: 10q23.1.
Variant type: single nucleotide variant.
Coding change: c.2197G>T on transcript NM_033100.4 (MANE Select); coding-DNA position 2197, G replaced by T.
Protein change: p.Val733Phe; replaces valine 733 with phenylalanine.
Molecular consequence: missense variant. On other transcripts: intron variant (1).
Genome position (GRCh38, 1-based): chr10:84,214,238, G>T. VCF-style: chr10-84214238-G-T. GRCh37 (hg19) VCF-style: chr10-85973994-G-T.
Other names: c.2040+890G>T (NM_001171971.3); short protein forms V733F.
Identifiers: ClinVar variation 802597 (VCV000802597.4), dbSNP rs1589309412, ClinGen allele CA377379476.

ClinVar aggregate classification (germline): Uncertain significance. Review status: criteria provided, multiple submitters, no conflicts (2 of 4 stars). 2 submissions from 2 submitters: Uncertain significance (2). Last evaluated 2022-10-25.

Conditions:
Cone-rod dystrophy 15 (CORD15). Identifiers: MedGen C3150912, MONDO:0013348, OMIM 613660.

Allele frequency attached by ClinVar (database versions not stated): gnomAD exomes below 0.00001; TOPMed below 0.00001.
gnomAD v4.1: 1 of 1,614,086 alleles (0.000062%); highest among the groups gnomAD compares: Non-Finnish European, 0.000085%; no homozygotes.

Submissions (2):

Labcorp Genetics (formerly Invitae), Labcorp
Classification: Uncertain significance. Last evaluated: 2022-10-25. Review status: criteria provided, single submitter. Criteria: Invitae Variant Classification Sherloc (09022015). Collection method: clinical testing. Allele origin: germline.
Comment: In summary, the available evidence is currently insufficient to determine the role of this variant in disease. Therefore, it has been classified as a Variant of Uncertain Significance. Advanced modeling of protein sequence and biophysical properties (such as structural, functional, and spatial information, amino acid conservation, physicochemical variation, residue mobility, and thermodynamic stability) performed at Invitae indicates that this missense variant is not expected to disrupt CDHR1 protein function. ClinVar contains an entry for this variant (Variation ID: 802597). This missense change has been observed in individual(s) with retinitis pigmentosa (Invitae). This variant is not present in population databases (gnomAD no frequency). This sequence change replaces valine, which is neutral and non-polar, with phenylalanine, which is neutral and non-polar, at codon 733 of the CDHR1 protein (p.Val733Phe).

Mendelics
Classification: Uncertain significance for Cone-rod dystrophy 15. Last evaluated: 2019-05-28. Review status: criteria provided, single submitter. Criteria: Mendelics Assertion Criteria 2017. Collection method: clinical testing. Allele origin: unknown.